The following is an entry in ClinVar:

ClinVar aggregate classification (germline): Uncertain significance (1 of 4 stars; one submission).

Submission:

GeneDx
Classification: Uncertain significance. Last evaluated: 2022-11-29. Review status: criteria provided, single submitter. Criteria: GeneDx Variant Classification Process June 2021. Collection method: clinical testing. Allele origin: germline. Affected: yes.
Comment: Not observed at significant frequency in large population cohorts (gnomAD); In silico analysis supports that this missense variant has a deleterious effect on protein structure/function; Has not been previously published as pathogenic or benign to our knowledge

NM_002709.3(PPP1CB):c.808A>G (p.Asn270Asp)

Gene: PPP1CB (protein phosphatase 1 catalytic subunit beta; plus strand). Cytogenetic location: 2p23.2.
Variant type: single nucleotide variant.
Coding change: c.808A>G on transcript NM_002709.3 (MANE Select); coding-DNA position 808, A replaced by G.
Protein change: p.Asn270Asp; replaces asparagine 270 with aspartic acid.
Molecular consequence: missense variant.
Genome position (GRCh38, 1-based): chr2:28,793,926, A>G. VCF-style: chr2-28793926-A-G. GRCh37 (hg19) VCF-style: chr2-29016792-A-G.
Other names: c.808A>G, p.Asn270Asp (NM_206876.2); short protein forms N270D.
Identifiers: ClinVar variation 2504248 (VCV002504248.1), dbSNP rs2465753905, ClinGen allele CA346583728.